The following is an entry in ClinVar:

ClinVar aggregate classification (germline): Uncertain significance (1 of 4 stars; one submission).

Conditions:
Immunodeficiency 35 (IMD35). Also called: HIES WITH ATYPICAL MYCOBACTERIOSIS, AUTOSOMAL RECESSIVE; HYPER-IgE SYNDROME WITH ATYPICAL MYCOBACTERIOSIS, AUTOSOMAL RECESSIVE; TYK2 DEFICIENCY; Susceptibility to infection due to TYK2 deficiency. Identifiers: Orphanet 331226, MedGen C1969086, MONDO:0012682, OMIM 611521.

Allele frequency attached by ClinVar (database versions not stated): gnomAD exomes 0.00001 and 0.00003; ExAC 0.00002.
gnomAD v4.1: 22 of 1,613,892 alleles (0.0014%); highest among the groups gnomAD compares: Middle Eastern, 0.033%; no homozygotes.

Submission:

Labcorp Genetics (formerly Invitae), Labcorp
Classification: Uncertain significance for Immunodeficiency 35. Last evaluated: 2025-04-14. Review status: criteria provided, single submitter. Criteria: Invitae Variant Classification Sherloc (09022015). Collection method: clinical testing. Allele origin: germline.
Comment: This sequence change replaces arginine with histidine at codon 633 of the TYK2 protein (p.Arg633His). The arginine residue is weakly conserved and there is a small physicochemical difference between arginine and histidine. This variant is present in population databases (rs769794516, gnomAD 0.007%). This variant has not been reported in the literature in individuals affected with TYK2-related conditions. ClinVar contains an entry for this variant (Variation ID: 651788). Invitae Evidence Modeling of protein sequence and biophysical properties (such as structural, functional, and spatial information, amino acid conservation, physicochemical variation, residue mobility, and thermodynamic stability) indicates that this missense variant is not expected to disrupt TYK2 protein function with a negative predictive value of 80%. In summary, the available evidence is currently insufficient to determine the role of this variant in disease. Therefore, it has been classified as a Variant of Uncertain Significance.

NM_003331.5(TYK2):c.1898G>A (p.Arg633His)

Gene: TYK2 (tyrosine kinase 2; minus strand). Cytogenetic location: 19p13.2.
Variant type: single nucleotide variant.
Coding change: c.1898G>A on transcript NM_003331.5 (MANE Select); coding-DNA position 1898, G replaced by A.
Protein change: p.Arg633His; replaces arginine 633 with histidine.
Molecular consequence: missense variant.
Genome position (GRCh38, 1-based): chr19:10,361,831, C>T on the plus strand (G>A on the coding strand, the complement: TYK2 is on the minus strand). VCF-style: chr19-10361831-C-T. GRCh37 (hg19) VCF-style: chr19-10472507-C-T.
Other names: c.1898G>A (LRG_121t1); short protein forms R633H.
Identifiers: ClinVar variation 651788 (VCV000651788.7), dbSNP rs769794516, ClinGen allele CA9193259.
Genomic context (GRCh38, chr19:10,361,831, plus strand): 5'-AGGGCGATGTCATGGTGACTAGGGTCCAGCACTTTGAGCACCACTCGTAGCTCCTGCCCA[C>T]GGTCCCTGCCAGGCACGAGGGGGTCCTCGTCATCCATCTTGCCCTCCTCAGGGTCCCCGC-3'
Protein context (NP_003322.3, residues 623-643): DEDPLVPGRD[Arg633His]GQELRVVLKV